The following is an entry in ClinVar:

ClinVar aggregate classification (germline): Uncertain significance (1 of 4 stars; one submission).

Submission:

Labcorp Genetics (formerly Invitae), Labcorp
Classification: Uncertain significance. Last evaluated: 2024-02-05. Review status: criteria provided, single submitter. Criteria: Invitae Variant Classification Sherloc (09022015). Collection method: clinical testing. Allele origin: germline.
Comment: This sequence change replaces proline, which is neutral and non-polar, with leucine, which is neutral and non-polar, at codon 402 of the CHRM2 protein (p.Pro402Leu). This variant is not present in population databases (gnomAD no frequency). This variant has not been reported in the literature in individuals affected with CHRM2-related conditions. An algorithm developed to predict the effect of missense changes on protein structure and function (PolyPhen-2) suggests that this variant is likely to be disruptive. In summary, the available evidence is currently insufficient to determine the role of this variant in disease. Therefore, it has been classified as a Variant of Uncertain Significance.

NM_001006630.2(CHRM2):c.1205C>T (p.Pro402Leu)

Genes: CHRM2 (cholinergic receptor muscarinic 2; plus strand), LOC349160 (uncharacterized LOC349160; minus strand). Cytogenetic location: 7q33.
Variant type: single nucleotide variant.
Coding change: c.1205C>T on transcript NM_001006630.2 (MANE Select); coding-DNA position 1205, C replaced by T.
Protein change: p.Pro402Leu; replaces proline 402 with leucine.
Molecular consequence: missense variant.
Genome position (GRCh38, 1-based): chr7:137,016,070, C>T. VCF-style: chr7-137016070-C-T. GRCh37 (hg19) VCF-style: chr7-136700817-C-T.
Other names: c.1205C>T, p.Pro402Leu (NM_000739.3, NM_001006626.3, NM_001006627.3 and 6 more transcripts); short protein forms P402L.
Identifiers: ClinVar variation 3638971 (VCV003638971.2).